The following is an entry in ClinVar:

NM_000038.6(APC):c.586A>G (p.Ile196Val)

Gene: APC (APC regulator of Wnt signaling pathway; plus strand). Cytogenetic location: 5q22.2.
Variant type: single nucleotide variant.
Coding change: c.586A>G on transcript NM_000038.6 (MANE Select); coding-DNA position 586, A replaced by G.
Protein change: p.Ile196Val; replaces isoleucine 196 with valine.
Molecular consequence: missense variant. On other transcripts: 5 prime UTR variant (1).
Genome position (GRCh38, 1-based): chr5:112,780,844, A>G. VCF-style: chr5-112780844-A-G. GRCh37 (hg19) VCF-style: chr5-112116541-A-G.
Other names: c.586A>G, p.Ile196Val (NM_001127510.3, NM_001354895.2, NM_001354896.2 and 2 more transcripts); c.616A>G, p.Ile206Val (NM_001127511.3, NM_001354897.2, NM_001354902.2); c.511A>G, p.Ile171Val (NM_001354898.2, NM_001354904.2); c.409A>G, p.Ile137Val (NM_001354900.2, NM_001354901.2, NM_001354905.2); c.-450A>G (NM_001354906.2); short protein forms I171V, I137V, I196V, I206V.
Identifiers: ClinVar variation 826021 (VCV000826021.16), dbSNP rs1580379926, ClinGen allele CA16022617.

ClinVar aggregate classification (germline): Uncertain significance. Review status: criteria provided, multiple submitters, no conflicts (2 of 4 stars). 4 submissions from 4 submitters: Uncertain significance (4). Last evaluated 2025-03-26.

Conditions:
Classic or attenuated familial adenomatous polyposis. Identifiers: MedGen CN372698, MONDO:0021057.
Familial adenomatous polyposis 1 (FAP1). Also called: POLYPOSIS, ADENOMATOUS INTESTINAL; FAMILIAL ADENOMATOUS POLYPOSIS 1, ATTENUATED. Identifiers: MedGen C2713442, MONDO:0021056, OMIM 175100. Disease mechanism: loss of function.
Hereditary cancer-predisposing syndrome. Also called: Neoplastic Syndromes, Hereditary; Tumor predisposition; Hereditary neoplastic syndrome; Hereditary Cancer Syndrome. Identifiers: Orphanet 140162, MedGen C0027672, MeSH D009386, MONDO:0015356.

Allele frequency attached by ClinVar (database versions not stated): gnomAD exomes below 0.00001.
gnomAD v4.1: 1 of 1,613,666 alleles (0.000062%); highest among the groups gnomAD compares: Non-Finnish European, 0.000085%; no homozygotes.

Submissions (4):

GeneDx
Classification: Uncertain significance. Last evaluated: 2025-03-26. Review status: criteria provided, single submitter. Criteria: GeneDx Variant Classification Process June 2021. Collection method: clinical testing. Allele origin: germline. Affected: yes.
Comment: Not observed at significant frequency in large population cohorts (gnomAD); In silico analysis indicates that this missense variant does not alter protein structure/function; Has not been previously published as pathogenic or benign to our knowledge

Labcorp Genetics (formerly Invitae), Labcorp
Classification: Uncertain significance for Familial adenomatous polyposis 1. Last evaluated: 2023-11-17. Review status: criteria provided, single submitter. Criteria: Invitae Variant Classification Sherloc (09022015). Collection method: clinical testing. Allele origin: germline.
Comment: This sequence change replaces isoleucine, which is neutral and non-polar, with valine, which is neutral and non-polar, at codon 196 of the APC protein (p.Ile196Val). This variant is not present in population databases (gnomAD no frequency). This variant has not been reported in the literature in individuals affected with APC-related conditions. ClinVar contains an entry for this variant (Variation ID: 826021). Advanced modeling of protein sequence and biophysical properties (such as structural, functional, and spatial information, amino acid conservation, physicochemical variation, residue mobility, and thermodynamic stability) performed at Invitae indicates that this missense variant is not expected to disrupt APC protein function with a negative predictive value of 95%. In summary, the available evidence is currently insufficient to determine the role of this variant in disease. Therefore, it has been classified as a Variant of Uncertain Significance.

All of Us Research Program, National Institutes of Health
Classification: Uncertain significance for Classic or attenuated familial adenomatous polyposis. Last evaluated: 2023-05-04. Review status: criteria provided, single submitter. Criteria: ACMG Guidelines, 2015. Collection method: clinical testing. Allele origin: germline. Inheritance: Autosomal dominant inheritance. Observed: 1 variant allele, 1 heterozygote.
Comment: This missense variant replaces isoleucine with valine at codon 196 of the APC protein. Computational prediction suggests that this variant may not impact protein structure and function (internally defined REVEL score threshold <= 0.5, PMID: 27666373). To our knowledge, functional studies have not been reported for this variant. This variant has not been reported in individuals affected with APC-related disorders in the literature. This variant has not been identified in the general population by the Genome Aggregation Database (gnomAD). The available evidence is insufficient to determine the role of this variant in disease conclusively. Therefore, this variant is classified as a Variant of Uncertain Significance.

This study involves interpretation of variants in research participants for the purpose of population health screening. Participant phenotype was not available at the time of variant classification. Additional details can be found in publication PMID: 35346344, PMCID: PMC8962531

Ambry Genetics
Classification: Uncertain significance for Hereditary cancer-predisposing syndrome. Last evaluated: 2019-03-21. Review status: criteria provided, single submitter. Criteria: Ambry Variant Classification Scheme 2023. Collection method: clinical testing. Allele origin: germline.
Comment: The p.I196V variant (also known as c.586A>G), located in coding exon 5 of the APC gene, results from an A to G substitution at nucleotide position 586. The isoleucine at codon 196 is replaced by valine, an amino acid with highly similar properties. This amino acid position is highly conserved in available vertebrate species. In addition, in silico predictors for this gene do not accurately predict pathogenicity. Since supporting evidence is limited at this time, the clinical significance of this alteration remains unclear.